The following is an entry in ClinVar:

ClinVar aggregate classification (germline): Uncertain significance (1 of 4 stars; one submission).

Conditions:
Symmetrical dyschromatosis of extremities (DSH). Also called: DYSCHROMATOSIS SYMMETRICA HEREDITARIA 1; RETICULATE ACROPIGMENTATION OF DOHI; SYMMETRIC DYSCHROMATOSIS OF THE EXTREMITIES; Dyschromatosis symmetrica hereditaria. Identifiers: Orphanet 41, MedGen C0406775, MONDO:0007483, OMIM 127400.
Aicardi-Goutieres syndrome 6 (AGS6). Identifiers: Orphanet 51, MedGen C3539013, MONDO:0014007, OMIM 615010.

gnomAD v4.1: 1 of 1,614,040 alleles (0.000062%); highest among the groups gnomAD compares: Non-Finnish European, 0.000085%; no homozygotes.

Submission:

Labcorp Genetics (formerly Invitae), Labcorp
Classification: Uncertain significance for Aicardi-Goutieres syndrome 6; Symmetrical dyschromatosis of extremities. Last evaluated: 2025-11-28. Review status: criteria provided, single submitter. Criteria: Invitae Variant Classification Sherloc (09022015). Collection method: clinical testing. Allele origin: germline.
Comment: This sequence change replaces arginine, which is basic and polar, with cysteine, which is neutral and slightly polar, at codon 767 of the ADAR protein (p.Arg767Cys). This variant is present in population databases (no rsID available, gnomAD no frequency). This variant has not been reported in the literature in individuals affected with ADAR-related conditions. ClinVar contains an entry for this variant (Variation ID: 3762092). Invitae Evidence Modeling of protein sequence and biophysical properties (such as structural, functional, and spatial information, amino acid conservation, physicochemical variation, residue mobility, and thermodynamic stability) has been performed for this missense variant. However, the output from this modeling did not meet the statistical confidence thresholds required to predict the impact of this variant on ADAR protein function. In summary, the available evidence is currently insufficient to determine the role of this variant in disease. Therefore, it has been classified as a Variant of Uncertain Significance.

NM_001111.5(ADAR):c.2299C>T (p.Arg767Cys)

Gene: ADAR (adenosine deaminase RNA specific; minus strand). Cytogenetic location: 1q21.3.
Variant type: single nucleotide variant.
Coding change: c.2299C>T on transcript NM_001111.5 (MANE Select); coding-DNA position 2299, C replaced by T.
Protein change: p.Arg767Cys; replaces arginine 767 with cysteine.
Molecular consequence: missense variant.
Genome position (GRCh38, 1-based): chr1:154,590,381, G>A on the plus strand (C>T on the coding strand, the complement: ADAR is on the minus strand). VCF-style: chr1-154590381-G-A. GRCh37 (hg19) VCF-style: chr1-154562857-G-A.
Other names: c.1414C>T, p.Arg472Cys (NM_001025107.3, NM_001193495.2, NM_001365046.1 and 3 more transcripts); c.2326C>T, p.Arg776Cys (NM_001365045.1); c.2299C>T, p.Arg767Cys (NM_015840.4); c.2242C>T, p.Arg748Cys (NM_015841.4); short protein forms R472C, R748C, R767C, R776C.
Identifiers: ClinVar variation 3762092 (VCV003762092.2).